The following is an entry in ClinVar:

NC_000023.10:g.(?_47464357)_(47479147_?)dup

Gene: SYN1 (synapsin I; minus strand). Cytogenetic location: Xp11.23.
Variant type: Duplication.
Identifiers: ClinVar variation 533668 (VCV000533668.2).

ClinVar aggregate classification (germline): Uncertain significance (1 of 4 stars; one submission).

Conditions:
Epilepsy, X-linked 1, with variable learning disabilities and behavior disorders. Also called: X-linked epilepsy-learning disabilities-behavior disorders syndrome. Identifiers: Orphanet 85294, MedGen C5774177, MONDO:0010339, OMIM 300491.

Submission:

Labcorp Genetics (formerly Invitae), Labcorp
Classification: Uncertain significance for Epilepsy, X-linked 1, with variable learning disabilities and behavior disorders. Last evaluated: 2022-06-20. Review status: criteria provided, single submitter. Criteria: Invitae Variant Classification Sherloc (09022015). Collection method: clinical testing. Allele origin: germline.
Comment: This variant results in a copy number gain of the genomic region encompassing exon(s) 1-5 of the SYN1 gene. This region includes the initiator codon of the gene. This copy number gain extends beyond the assayed region for this gene and therefore may encompass additional genes. As the precise location of this event is unknown, it may be in tandem or it may be located elsewhere in the genome. This variant has not been reported in the literature in individuals affected with SYN1-related conditions. Experimental studies and prediction algorithms are not available or were not evaluated, and the functional significance of this variant is currently unknown. In summary, the available evidence is currently insufficient to determine the role of this variant in disease. Therefore, it has been classified as a Variant of Uncertain Significance.